The following is an entry in ClinVar:

ClinVar aggregate classification (germline): Uncertain significance. Review status: criteria provided, multiple submitters, no conflicts (2 of 4 stars). 2 submissions from 2 submitters: Uncertain significance (2). Last evaluated 2022-06-13.

Conditions:
Naxos disease (NXD). Also called: WOOLLY HAIR, PALMOPLANTAR KERATODERMA, AND CARDIAC ABNORMALITIES; CARDIOMYOPATHY, ARRHYTHMOGENIC RIGHT VENTRICULAR, WITH SKIN, HAIR, AND NAIL ABNORMALITIES; KERATOSIS PALMOPLANTARIS WITH ARRHYTHMOGENIC CARDIOMYOPATHY; MAL DE NAXOS; PALMOPLANTAR KERATODERMA WITH ARRHYTHMOGENIC RIGHT VENTRICULAR CARDIOMYOPATHY AND WOOLLY HAIR. Identifiers: Orphanet 34217, MedGen C1832600, MONDO:0011017, OMIM 601214.
Arrhythmogenic right ventricular dysplasia 12. Also called: ARRHYTHMOGENIC RIGHT VENTRICULAR DYSPLASIA, FAMILIAL, 12. Identifiers: MedGen C1969081, MONDO:0012684, OMIM 611528.

Submissions (2):

Labcorp Genetics (formerly Invitae), Labcorp
Classification: Uncertain significance for Arrhythmogenic right ventricular dysplasia 12; Naxos disease. Last evaluated: 2022-06-13. Review status: criteria provided, single submitter. Criteria: Invitae Variant Classification Sherloc (09022015). Collection method: clinical testing. Allele origin: germline.
Comment: This sequence change replaces threonine, which is neutral and polar, with proline, which is neutral and non-polar, at codon 249 of the JUP protein (p.Thr249Pro). This variant is not present in population databases (gnomAD no frequency). In summary, the available evidence is currently insufficient to determine the role of this variant in disease. Therefore, it has been classified as a Variant of Uncertain Significance. Algorithms developed to predict the effect of missense changes on protein structure and function are either unavailable or do not agree on the potential impact of this missense change (SIFT: "Deleterious"; PolyPhen-2: "Probably Damaging"; Align-GVGD: "Class C0"). This variant has not been reported in the literature in individuals affected with JUP-related conditions.

Phosphorus, Inc.
Classification: Uncertain significance. Last evaluated: 2022-01-17. Review status: criteria provided, single submitter. Criteria: ACMG Guidelines, 2015. Collection method: clinical testing. Allele origin: germline. Inheritance: Autosomal recessive inheritance.
Comment: This missense variant results in a substitution of threonine with proline at codon 249 of the JUP gene (transcript NM_002230.2). This variant has not been reported in ClinVar and has not occurred in population databases. This position is conserved. In silico functional algorithms agree, predicting it as probably damaging (PolyPhen), deleterious (SIFT), and pathogenic (REVEL), but no functional studies were performed to confirm these predictions. The variant has not occurred in the literature associated with the disease. In conclusion, the available evidence is insufficient to determine the pathogenicity of this variant. Therefore, it is classified as a Variant of Uncertain Significance.

NM_002230.4(JUP):c.745A>C (p.Thr249Pro)

Gene: JUP (junction plakoglobin; minus strand). Cytogenetic location: 17q21.2.
Variant type: single nucleotide variant.
Coding change: c.745A>C on transcript NM_002230.4 (MANE Select); coding-DNA position 745, A replaced by C.
Protein change: p.Thr249Pro; replaces threonine 249 with proline.
Molecular consequence: missense variant.
Genome position (GRCh38, 1-based): chr17:41,767,543, T>G on the plus strand (A>C on the coding strand, the complement: JUP is on the minus strand). VCF-style: chr17-41767543-T-G. GRCh37 (hg19) VCF-style: chr17-39923795-T-G.
Other names: c.745A>C, p.Thr249Pro (NM_001352773.2, NM_001352774.2, NM_001352775.2 and 3 more transcripts); short protein forms T249P.
Identifiers: ClinVar variation 1339287 (VCV001339287.6), dbSNP rs2143652715, ClinGen allele CA399501566.